The following is an entry in ClinVar:

ClinVar aggregate classification (germline): Pathogenic. Review status: criteria provided, multiple submitters, no conflicts (2 of 4 stars). 11 submissions from 11 submitters: Pathogenic (10). 1 of the submissions does not count toward it. Last evaluated 2025-12-01.

Conditions:
TGM1-related disorder. Also called: TGM1-related condition.
Lamellar ichthyosis. Identifiers: Orphanet 313, MedGen C5848247, MONDO:0017778.
Autosomal recessive congenital ichthyosis 1 (LI1). Also called: ICHTHYOSIS, CONGENITAL, AUTOSOMAL RECESSIVE 1, WITH OR WITHOUT BATHING SUIT DISTRIBUTION; ICHTHYOSIS, CONGENITAL, AUTOSOMAL RECESSIVE 1, WITH BATHING SUIT DISTRIBUTION; COLLODION FETUS; DESQUAMATION OF NEWBORN; LAMELLAR EXFOLIATION OF NEWBORN; ICHTHYOSIS CONGENITA. Identifiers: MedGen C4551630, MONDO:0009441, OMIM 242300.

Allele frequency attached by ClinVar (database versions not stated): gnomAD 0.00001; gnomAD exomes 0.00001; TOPMed 0.00001.

Submissions (11):

Natera, Inc.
Classification: Pathogenic for Autosomal recessive congenital ichthyosis type 1. Last evaluated: 2025-12-01. Review status: criteria provided, single submitter. Criteria: Natera Variant Classification Schema (03/2026). Collection method: clinical testing. Allele origin: germline.
Comment: The c.379C>T variant in TGM1 is a nonsense variant predicted to introduce a stop codon at amino acid 127. This variant is expected to result in nonsense mediated decay, truncation, or a dysfunctional protein product. This variant is rare in the general population with a frequency below the threshold expected for the associated phenotype(s). This variant has been observed in one or more individuals affected with the associated recessive disease, as either homozygous or compound heterozygous with a second variant (PMID: 30578701). Given the available evidence, this variant is classified as Pathogenic.

3billion
Classification: Pathogenic for Autosomal recessive congenital ichthyosis 1. Last evaluated: 2025-11-14. Review status: criteria provided, single submitter. Criteria: ACMG Guidelines, 2015. Collection method: clinical testing. Allele origin: germline. Affected: yes.
Comment: The variant is observed at an extremely low frequency in the gnomAD v4.1.0 dataset (total allele frequency: <0.001%). Predicted Consequence/Location: Stop-gained (nonsense): predicted to result in a loss or disruption of normal protein function through nonsense-mediated decay (NMD) or protein truncation. Multiple pathogenic variants are reported downstream of the variant. The variant has been reported at least twice as pathogenic with clinical assertions and evidence for the classification (ClinVar ID: VCV000279910 /PMID: 9261103). Therefore, this variant is classified as Pathogenic according to the recommendation of ACMG/AMP guideline.

GeneDx
Classification: Pathogenic. Last evaluated: 2025-09-19. Review status: criteria provided, single submitter. Criteria: GeneDx Variant Classification Process June 2021. Collection method: clinical testing. Allele origin: germline. Affected: yes.
Comment: Published functional studies demonstrate a damaging effect with strongly decreased transglutaminase activity and strongly decreased protein levels (PMID: 9261103); Nonsense variant predicted to result in protein truncation or nonsense mediated decay in a gene for which loss of function is a known mechanism of disease; This variant is associated with the following publications: (PMID: 25525159, 9261103, 30578701, 34851365)

Baylor Genetics
Classification: Pathogenic for Autosomal recessive congenital ichthyosis 1. Last evaluated: 2024-02-20. Review status: criteria provided, single submitter. Criteria: ACMG Guidelines, 2015. Collection method: clinical testing. Allele origin: unknown.

Labcorp Genetics (formerly Invitae), Labcorp
Classification: Pathogenic. Last evaluated: 2022-09-12. Review status: criteria provided, single submitter. Criteria: Invitae Variant Classification Sherloc (09022015). Collection method: clinical testing. Allele origin: germline.
Comment: This sequence change creates a premature translational stop signal (p.Arg127*) in the TGM1 gene. It is expected to result in an absent or disrupted protein product. Loss-of-function variants in TGM1 are known to be pathogenic (PMID: 18948357, 19241467). This variant is present in population databases (no rsID available, gnomAD 0.006%). This premature translational stop signal has been observed in individual(s) with TGM1-related conditions (PMID: 9261103). ClinVar contains an entry for this variant (Variation ID: 279910). For these reasons, this variant has been classified as Pathogenic.

Fulgent Genetics
Classification: Pathogenic for Autosomal recessive congenital ichthyosis 1. Last evaluated: 2022-04-04. Review status: criteria provided, single submitter. Criteria: ACMG Guidelines, 2015. Collection method: clinical testing. Allele origin: unknown.

Women's Health and Genetics/Laboratory Corporation of America, LabCorp
Classification: Pathogenic for Lamellar ichthyosis. Last evaluated: 2022-03-23. Review status: criteria provided, single submitter. Criteria: LabCorp Variant Classification Summary - May 2015. Collection method: clinical testing. Allele origin: germline.
Comment: Variant summary: TGM1 c.379C>T (p.Arg127X) results in a premature termination codon, predicted to cause a truncation of the encoded protein or absence of the protein due to nonsense mediated decay, the latter of which has been observed experimentally (Huber_1997). Truncations downstream of this position have been classified as pathogenic by our laboratory. The variant allele was found at a frequency of 8e-06 in 251356 control chromosomes (gnomAD). c.379C>T has been reported in the literature in multiple homozygous individuals affected with autosomal recessive congenital ichthyosis (e.g. Schorderet_1997, Youssefian_2019). These data indicate that the variant is very likely to be associated with disease. Three ClinVar submitters have assessed the variant since 2014: one classified the variant as likely pathogenic and two as pathogenic. Based on the evidence outlined above, the variant was classified as pathogenic.

Blueprint Genetics
Classification: Pathogenic for TGM1-related disorders. Last evaluated: 2021-08-06. Review status: criteria provided, single submitter. Criteria: ACMG Guidelines, 2015. Collection method: clinical testing. Allele origin: germline. Affected: yes. Observed: 2 variant alleles.

Genome-Nilou Lab
Classification: Pathogenic for Autosomal recessive congenital ichthyosis 1. Review status: criteria provided, single submitter. Criteria: ACMG Guidelines, 2015. Collection method: clinical testing. Allele origin: germline.

Neuberg Centre For Genomic Medicine, NCGM
Classification: Pathogenic for Autosomal recessive congenital ichthyosis 1. Review status: criteria provided, single submitter. Criteria: ACMG Guidelines, 2015. Collection method: clinical testing. Allele origin: germline. Inheritance: Autosomal recessive inheritance. Affected: yes.
Comment: The stop gain variant has been reported previously in homozygous state in patients affected with autosomal recessive congenital ichthyosis (Herman ML. et al., 2009). The p.Arg127Ter variant is reported with the allele frequency (0.0008%) in the gnomAD and novel in 1000 genome database. It has been submitted to ClinVar as a Pathogenic variant. This variant is predicted to cause loss of normal protein function through protein truncation. Loss of function variants have been previously reported to be disease causing. For these reasons, this variant has been classified as Pathogenic.

Counsyl
Classification: Likely pathogenic for Autosomal recessive congenital ichthyosis 1. Last evaluated: 2017-11-09. Review status: no assertion criteria provided. Collection method: clinical testing. Allele origin: unknown. Not counted in ClinVar's aggregate classification.

Literature cited by the submitters: PubMed 30578701 (cited by Natera, Inc. and Women's Health and Genetics/Laboratory Corporation of America, LabCorp); PubMed 9261103 (cited by 4 submitters); PubMed 18948357 (cited by Labcorp Genetics (formerly Invitae), Labcorp); PubMed 19241467 (cited by Labcorp Genetics (formerly Invitae), Labcorp); PubMed 9178327 (cited by Women's Health and Genetics/Laboratory Corporation of America, LabCorp); PubMed 25525159 (cited by Counsyl).

NM_000359.3(TGM1):c.379C>T (p.Arg127Ter)

Gene: TGM1 (transglutaminase 1; minus strand). Cytogenetic location: 14q12.
Variant type: single nucleotide variant.
Coding change: c.379C>T on transcript NM_000359.3 (MANE Select); coding-DNA position 379, C replaced by T.
Protein change: p.Arg127Ter; replaces arginine 127 with a stop codon.
Molecular consequence: nonsense.
Genome position (GRCh38, 1-based): chr14:24,261,824, G>A on the plus strand (C>T on the coding strand, the complement: TGM1 is on the minus strand). VCF-style: chr14-24261824-G-A. GRCh37 (hg19) VCF-style: chr14-24731030-G-A.
Other names: short protein forms R127*.
Identifiers: ClinVar variation 279910 (VCV000279910.19), dbSNP rs886041250, ClinGen allele CA10603308.